The following is an entry in ClinVar:

NM_006031.6(PCNT):c.871_872delinsTT (p.Glu291Leu)

Gene: PCNT (pericentrin; plus strand). Cytogenetic location: 21q22.3.
Variant type: Indel.
Coding change: c.871_872delinsTT on transcript NM_006031.6 (MANE Select); coding-DNA positions 871 to 872, GA replaced by TT.
Protein change: p.Glu291Leu; replaces glutamic acid 291 with leucine.
Molecular consequence: missense variant.
Genome position (GRCh38, 1-based): chr21:46,346,893-46,346,894, GA replaced by TT. VCF-style: chr21-46346893-GA-TT. GRCh37 (hg19) VCF-style: chr21-47766807-GA-TT.
Other names: c.517_518delinsTT, p.Glu173Leu (NM_001315529.2); short protein forms E173L, E291L.
Identifiers: ClinVar variation 4996900 (VCV004996900.1).

ClinVar aggregate classification (germline): Uncertain significance (1 of 4 stars; one submission).

Conditions:
PCNT-related disorder. Also called: PCNT-related condition.

Submission:

PreventionGenetics, part of Exact Sciences
Classification: Uncertain significance for PCNT-related condition. Last evaluated: 2025-02-21. Review status: criteria provided, single submitter. Criteria: ACMG Guidelines, 2015. Collection method: clinical testing. Allele origin: germline.
Comment: The PCNT c.871_872delinsTT variant is predicted to result in an in-frame deletion and insertion. To our knowledge, this variant has not been reported in the literature or in a large population database (gnomAD), indicating this variant is rare. At this time, the clinical significance of this variant is uncertain due to the absence of conclusive functional and genetic evidence.